The following is an entry in ClinVar:

ClinVar aggregate classification (germline): Uncertain significance (1 of 4 stars; one submission).

Submission:

Women's Health and Genetics/Laboratory Corporation of America, LabCorp
Classification: Uncertain significance. Last evaluated: 2026-03-24. Review status: criteria provided, single submitter. Criteria: LabCorp Variant Classification Summary - May 2015. Collection method: clinical testing. Allele origin: germline.
Comment: Variant summary: PRX c.4192G>A (p.Ala1398Thr) results in a non-conservative amino acid change in the encoded protein sequence. Algorithms developed to predict the effect of missense changes on protein structure and function are either unavailable or do not agree on the potential impact of this missense change. The variant allele was found at a frequency of 4.3e-06 in 235138 control chromosomes. The available data on variant occurrences in the general population are insufficient to allow any conclusion about variant significance. To our knowledge, no occurrence of c.4192G>A in individuals affected with PRX-related conditions and no experimental evidence demonstrating its impact on protein function have been reported. No submitters have cited clinical-significance assessments for this variant to ClinVar. Based on the evidence outlined above, the variant was classified as uncertain significance.

NM_181882.3(PRX):c.4192G>A (p.Ala1398Thr)

Gene: PRX (periaxin; minus strand). Cytogenetic location: 19q13.2.
Variant type: single nucleotide variant.
Coding change: c.4192G>A on transcript NM_181882.3 (MANE Select); coding-DNA position 4192, G replaced by A.
Protein change: p.Ala1398Thr; replaces alanine 1398 with threonine.
Molecular consequence: missense variant. On other transcripts: 3 prime UTR variant (1).
Genome position (GRCh38, 1-based): chr19:40,394,160, C>T on the plus strand (G>A on the coding strand, the complement: PRX is on the minus strand). VCF-style: chr19-40394160-C-T. GRCh37 (hg19) VCF-style: chr19-40900067-C-T.
Other names: c.4477G>A, p.Ala1493Thr (NM_001411127.1); c.*4397G>A (NM_020956.2); short protein forms A1398T, A1493T.
Identifiers: ClinVar variation 4847739 (VCV004847739.1).